The following is an entry in ClinVar:

ClinVar aggregate classification (germline): Likely benign (1 of 4 stars; one submission).

Conditions:
Familial thoracic aortic aneurysm and aortic dissection (TAAD). Also called: Thoracic aortic aneurysms and dissections. Identifiers: Orphanet 91387, MedGen C4707243, MONDO:0019625.

Submission:

All of Us Research Program, National Institutes of Health
Classification: Likely benign for Familial thoracic aortic aneurysm and aortic dissection. Last evaluated: 2024-01-03. Review status: criteria provided, single submitter. Criteria: ACMG Guidelines, 2015. Collection method: clinical testing. Allele origin: germline. Inheritance: Autosomal dominant inheritance. Observed: 1 variant allele, 1 heterozygote.
Comment: This study involves interpretation of variants in research participants for the purpose of population health screening. Participant phenotype was not available at the time of variant classification. Additional details can be found in publication PMID: 35346344, PMCID: PMC8962531

NM_002474.3(MYH11):c.808C>A (p.Arg270=)

Gene: MYH11 (myosin heavy chain 11; minus strand). Cytogenetic location: 16p13.11.
Variant type: single nucleotide variant.
Coding change: c.808C>A on transcript NM_002474.3 (MANE Select); coding-DNA position 808, C replaced by A.
Protein change: p.Arg270=; no amino-acid change (arginine 270 retained).
Molecular consequence: synonymous variant.
Genome position (GRCh38, 1-based): chr16:15,776,159, G>T on the plus strand (C>A on the coding strand, the complement: MYH11 is on the minus strand). VCF-style: chr16-15776159-G-T. GRCh37 (hg19) VCF-style: chr16-15870016-G-T.
Other names: c.829C>A, p.Arg277= (NM_001040113.2, NM_001040114.2); c.808C>A, p.Arg270= (NM_022844.3).
Identifiers: ClinVar variation 3075279 (VCV003075279.1), dbSNP rs2042216578, ClinGen allele CA493776239.